The following is an entry in ClinVar:

NM_001040108.2(MLH3):c.1585A>C (p.Lys529Gln)

Gene: MLH3 (mutL homolog 3; minus strand). Cytogenetic location: 14q24.3.
Variant type: single nucleotide variant.
Coding change: c.1585A>C on transcript NM_001040108.2 (MANE Select); coding-DNA position 1585, A replaced by C.
Protein change: p.Lys529Gln; replaces lysine 529 with glutamine.
Molecular consequence: missense variant.
Genome position (GRCh38, 1-based): chr14:75,048,071, T>G on the plus strand (A>C on the coding strand, the complement: MLH3 is on the minus strand). VCF-style: chr14-75048071-T-G. GRCh37 (hg19) VCF-style: chr14-75514774-T-G.
Other names: c.1585A>C, p.Lys529Gln (NM_014381.3); short protein forms K529Q.
Identifiers: ClinVar variation 1520854 (VCV001520854.12), dbSNP rs1004546185, ClinGen allele CA263652962.

ClinVar aggregate classification (germline): Uncertain significance. Review status: criteria provided, multiple submitters, no conflicts (2 of 4 stars). 2 submissions from 2 submitters: Uncertain significance (2). Last evaluated 2025-06-28.

Conditions:
Colorectal cancer, hereditary nonpolyposis, type 7. Identifiers: Orphanet 144, MedGen C1858380, MONDO:0013725, OMIM 614385.

Allele frequency attached by ClinVar (database versions not stated): gnomAD exomes below 0.00001 and 0.00001; gnomAD 0.00003; TOPMed 0.00007.
gnomAD v4.1: 11 of 1,613,984 alleles (0.00068%); highest among the groups gnomAD compares: African/African-American, 0.015%; no homozygotes.

Submissions (2):

Ambry Genetics
Classification: Uncertain significance. Last evaluated: 2025-06-28. Review status: criteria provided, single submitter. Criteria: Ambry Variant Classification Scheme 2023. Collection method: clinical testing. Allele origin: germline.
Comment: The p.K529Q variant (also known as c.1585A>C), located in coding exon 1 of the MLH3 gene, results from an A to C substitution at nucleotide position 1585. The lysine at codon 529 is replaced by glutamine, an amino acid with similar properties. This amino acid position is poorly conserved in available vertebrate species. In addition, this alteration is predicted to be tolerated by in silico analysis. Since supporting evidence is limited at this time, the clinical significance of this alteration remains unclear.

Labcorp Genetics (formerly Invitae), Labcorp
Classification: Uncertain significance for Colorectal cancer, hereditary nonpolyposis, type 7. Last evaluated: 2023-12-16. Review status: criteria provided, single submitter. Criteria: Invitae Variant Classification Sherloc (09022015). Collection method: clinical testing. Allele origin: germline.
Comment: This sequence change replaces lysine, which is basic and polar, with glutamine, which is neutral and polar, at codon 529 of the MLH3 protein (p.Lys529Gln). This variant is present in population databases (no rsID available, gnomAD 0.007%). This variant has not been reported in the literature in individuals affected with MLH3-related conditions. ClinVar contains an entry for this variant (Variation ID: 1520854). An algorithm developed to predict the effect of missense changes on protein structure and function (PolyPhen-2) suggests that this variant is likely to be tolerated. In summary, the available evidence is currently insufficient to determine the role of this variant in disease. Therefore, it has been classified as a Variant of Uncertain Significance.